The following is an entry in ClinVar:

NM_016169.4(SUFU):c.306C>G (p.Asn102Lys)

Gene: SUFU (SUFU negative regulator of hedgehog signaling; plus strand). Cytogenetic location: 10q24.32.
Variant type: single nucleotide variant.
Coding change: c.306C>G on transcript NM_016169.4 (MANE Select); coding-DNA position 306, C replaced by G.
Protein change: p.Asn102Lys; replaces asparagine 102 with lysine.
Molecular consequence: missense variant.
Genome position (GRCh38, 1-based): chr10:102,509,292, C>G. VCF-style: chr10-102509292-C-G. GRCh37 (hg19) VCF-style: chr10-104269049-C-G.
Other names: c.306C>G, p.Asn102Lys (NM_001178133.2); short protein forms N102K.
Identifiers: ClinVar variation 1799461 (VCV001799461.14), dbSNP rs1564657077, ClinGen allele CA377889203.

ClinVar aggregate classification (germline): Conflicting classifications of pathogenicity. Review status: criteria provided, conflicting classifications (1 of 4 stars). 3 submissions from 3 submitters: Uncertain significance (2); Likely benign (1). Last evaluated 2026-07-13.

Conditions:
Hereditary cancer-predisposing syndrome. Also called: Neoplastic Syndromes, Hereditary; Tumor predisposition; Hereditary neoplastic syndrome; Hereditary Cancer Syndrome. Identifiers: Orphanet 140162, MedGen C0027672, MeSH D009386, MONDO:0015356.
Gorlin syndrome. Also called: Nevoid Basal Cell Carcinoma Syndrome; Basal cell nevus syndrome. Identifiers: Orphanet 377, MedGen C0004779, MONDO:0007187.
Medulloblastoma (MDB). Also called: Medulloblastoma, somatic; MEDULLOBLASTOMA PREDISPOSITION SYNDROME. Identifiers: Orphanet 616, MedGen C0025149, MeSH D008527, MONDO:0007959, OMIM 155255, HP:0002885.

Submissions (3):

GeneDx
Classification: Uncertain significance. Last evaluated: 2026-07-13. Review status: criteria provided, single submitter. Criteria: GeneDx Variant Classification Process June 2021. Collection method: clinical testing. Allele origin: germline.
Comment: Not observed at significant frequency in large population cohorts (gnomAD); In silico analysis suggests that this missense variant does not alter protein structure/function; Has not been previously published as pathogenic or benign to our knowledge; This variant is associated with the following publications: (PMID: 24311597)

Ambry Genetics
Classification: Likely benign for Hereditary cancer-predisposing syndrome. Last evaluated: 2025-08-15. Review status: criteria provided, single submitter. Criteria: Ambry Variant Classification Scheme 2023. Collection method: clinical testing. Allele origin: germline.

Labcorp Genetics (formerly Invitae), Labcorp
Classification: Uncertain significance for Gorlin syndrome; Medulloblastoma. Last evaluated: 2022-10-17. Review status: criteria provided, single submitter. Criteria: Invitae Variant Classification Sherloc (09022015). Collection method: clinical testing. Allele origin: germline.
Comment: In summary, the available evidence is currently insufficient to determine the role of this variant in disease. Therefore, it has been classified as a Variant of Uncertain Significance. This variant has not been reported in the literature in individuals affected with SUFU-related conditions. Advanced modeling of protein sequence and biophysical properties (such as structural, functional, and spatial information, amino acid conservation, physicochemical variation, residue mobility, and thermodynamic stability) performed at Invitae indicates that this missense variant is not expected to disrupt SUFU protein function. This sequence change replaces asparagine, which is neutral and polar, with lysine, which is basic and polar, at codon 102 of the SUFU protein (p.Asn102Lys). This variant is not present in population databases (gnomAD no frequency).